The following is an entry in ClinVar:

NM_000051.4(ATM):c.427A>G (p.Asn143Asp)

Gene: ATM (ATM serine/threonine kinase; plus strand). Cytogenetic location: 11q22.3.
Variant type: single nucleotide variant.
Coding change: c.427A>G on transcript NM_000051.4 (MANE Select); coding-DNA position 427, A replaced by G.
Protein change: p.Asn143Asp; replaces asparagine 143 with aspartic acid.
Molecular consequence: missense variant.
Genome position (GRCh38, 1-based): chr11:108,235,765, A>G. VCF-style: chr11-108235765-A-G. GRCh37 (hg19) VCF-style: chr11-108106492-A-G.
Other names: c.427A>G, p.Asn143Asp (NM_001351834.2); short protein forms N143D.
Identifiers: ClinVar variation 141362 (VCV000141362.15), dbSNP rs587781688, ClinGen allele CA165221.

ClinVar aggregate classification (germline): Uncertain significance. Review status: criteria provided, multiple submitters, no conflicts (2 of 4 stars). 4 submissions from 4 submitters: Uncertain significance (4). Last evaluated 2025-10-23.

Conditions:
Hereditary cancer-predisposing syndrome. Also called: Neoplastic Syndromes, Hereditary; Hereditary Cancer Syndrome; Hereditary neoplastic syndrome; Tumor predisposition. Identifiers: Orphanet 140162, MedGen C0027672, MeSH D009386, MONDO:0015356.
Ataxia-telangiectasia syndrome (AT). Also called: Cerebello-oculocutaneous telangiectasia; Immunodeficiency with ataxia telangiectasia; Ataxia-telangiectasia, complementation group D; AT, COMPLEMENTATION GROUP C; ATAXIA-TELANGIECTASIA, FRESNO VARIANT; ATAXIA-TELANGIECTASIA, COMPLEMENTATION GROUP A. Identifiers: Orphanet 100, MedGen C0004135, MONDO:0008840, OMIM 208900.

Allele frequency attached by ClinVar (database versions not stated): gnomAD exomes below 0.00001.
gnomAD v4.1: 1 of 1,613,754 alleles (0.000062%); highest among the groups gnomAD compares: Non-Finnish European, 0.000085%; no homozygotes.

Submissions (4):

Ambry Genetics
Classification: Uncertain significance for Hereditary cancer-predisposing syndrome. Last evaluated: 2025-10-23. Review status: criteria provided, single submitter. Criteria: Ambry Variant Classification Scheme 2023. Collection method: clinical testing. Allele origin: germline.
Comment: The p.N143D variant (also known as c.427A>G), located in coding exon 4 of the ATM gene, results from an A to G substitution at nucleotide position 427. The asparagine at codon 143 is replaced by aspartic acid, an amino acid with highly similar properties. This variant was not reported in population based cohorts in the following databases: Database of Single Nucleotide Polymorphisms (dbSNP), NHLBI Exome Sequencing Project (ESP), and 1000 Genomes Project. To date, this alteration has been detected with an allele frequency of approximately 0.001% (greater than 180000 alleles tested) in our clinical cohort. Based on protein sequence alignment, this amino acid position is not well conserved in available vertebrate species. In addition, this alteration is predicted to be benign and deleterious by PolyPhen and SIFT in silico analyses, respectively. Since supporting evidence is limited at this time, the clinical significance of this alteration remains unclear.

Color Diagnostics, LLC DBA Color Health
Classification: Uncertain significance for Hereditary cancer-predisposing syndrome. Last evaluated: 2022-12-07. Review status: criteria provided, single submitter. Criteria: ACMG Guidelines, 2015. Collection method: clinical testing. Allele origin: germline.
Comment: This missense variant replaces asparagine with aspartic acid at codon 143 of the ATM protein. Computational prediction suggests that this variant may not impact protein structure and function (internally defined REVEL score threshold <= 0.5, PMID: 27666373). To our knowledge, functional studies have not been reported for this variant. This variant has not been reported as a germline mutation in individuals affected with ATM-related disorders in the literature. This variant has been identified in 1/251346 chromosomes in the general population by the Genome Aggregation Database (gnomAD). The available evidence is insufficient to determine the role of this variant in disease conclusively. Therefore, this variant is classified as a Variant of Uncertain Significance.

Labcorp Genetics (formerly Invitae), Labcorp
Classification: Uncertain significance for Ataxia-telangiectasia syndrome. Last evaluated: 2018-05-05. Review status: criteria provided, single submitter. Criteria: Invitae Variant Classification Sherloc (09022015). Collection method: clinical testing. Allele origin: germline.
Comment: In summary, the available evidence is currently insufficient to determine the role of this variant in disease. Therefore, it has been classified as a Variant of Uncertain Significance. Algorithms developed to predict the effect of missense changes on protein structure and function (SIFT, PolyPhen-2, Align-GVGD) all suggest that this variant is likely to be tolerated, but these predictions have not been confirmed by published functional studies and their clinical significance is uncertain. This variant has not been reported in the literature in individuals with ATM-related disease. ClinVar contains an entry for this variant (Variation ID: 141362). This variant is not present in population databases (ExAC no frequency). This sequence change replaces asparagine with aspartic acid at codon 143 of the ATM protein (p.Asn143Asp). The asparagine residue is weakly conserved and there is a small physicochemical difference between asparagine and aspartic acid.

GeneDx
Classification: Uncertain significance. Last evaluated: 2016-04-25. Review status: criteria provided, single submitter. Criteria: GeneDx Variant Classification (06012015). Collection method: clinical testing. Allele origin: germline. Affected: yes.
Comment: This variant is denoted ATM c.427A>G at the cDNA level, p.Asn143Asp (N143D) at the protein level, and results in the change of an Asparagine to an Aspartic Acid (AAC>GAC). This variant has not, to our knowledge, been published in the literature as pathogenic or benign. ATM Asn143Asp was not observed in approximately 6,500 individuals of European and African American ancestry in the NHLBI Exome Sequencing Project, suggesting it is not a common benign variant in these populations. Since Asparagine and Aspartic Acid differ in some properties, this is considered a semi-conservative amino acid substitution. ATM Asn143Asp occurs at a position where amino acids with properties similar to Asparagine are tolerated across species and is not located in a known functional domain (Stracker 2013). In silico analyses are inconsistent regarding the effect this variant may have on protein structure and function. Based on currently available evidence, it is unclear whether ATM Asn143Asp is a pathogenic or benign variant. We consider it to be a variant of uncertain significance.